The following is an entry in ClinVar:

ClinVar aggregate classification (germline): Uncertain significance (1 of 4 stars; one submission).

Submission:

Mayo Clinic Laboratories, Mayo Clinic
Classification: Uncertain significance. Last evaluated: 2025-05-27. Review status: criteria provided, single submitter. Criteria: ACMG Guidelines, 2015. Collection method: clinical testing. Allele origin: germline. Observed: 1 variant allele.
Comment: BP4

NM_021942.6(TRAPPC11):c.3328C>A (p.Arg1110Ser)

Gene: TRAPPC11 (trafficking protein particle complex subunit 11; plus strand). Cytogenetic location: 4q35.1.
Variant type: single nucleotide variant.
Coding change: c.3328C>A on transcript NM_021942.6 (MANE Select); coding-DNA position 3328, C replaced by A.
Protein change: p.Arg1110Ser; replaces arginine 1110 with serine.
Molecular consequence: missense variant.
Genome position (GRCh38, 1-based): chr4:183,708,545, C>A. VCF-style: chr4-183708545-C-A. GRCh37 (hg19) VCF-style: chr4-184629698-C-A.
Other names: p.Arg1110Ser; c.3209C>A, p.Ala1070Glu (NM_199053.3); short protein forms R1110S, A1070E.
Identifiers: ClinVar variation 4541020 (VCV004541020.1).